The following is an entry in ClinVar:

ClinVar aggregate classification (germline): not provided (0 of 4 stars; one submission).

Conditions:
XK-related neurodegenerative disease. Also called: NEUROACANTHOCYTOSIS, MCLEOD TYPE; MCLEOD PHENOTYPE; MCLEOD SYNDROME; McLeod neuroacanthocytosis syndrome; X-linked McLeod syndrome. Identifiers: Orphanet 59306, MedGen C0398568, MONDO:0018945, OMIM 300842. Disease mechanism: loss of function.

Allele frequency attached by ClinVar (database versions not stated): gnomAD exomes below 0.00001 and 0.00001; TOPMed 0.00001.
gnomAD v4.1: 1 of 1,187,260 alleles (0.000084%); highest among the groups gnomAD compares: South Asian, 0.0019%; no homozygotes.

Submission:

GeneReviews
No classification provided. Condition: XK-related neurodegenerative disease. Review status: no classification provided. Collection method: literature only. Allele origin: germline.
Comment: Intronic substitution that results in alternative splicing with some normal transcript; not associated with significant neurologic abnormalities

Literature cited by the submitters: PubMed 17133513.

NM_021083.4(XK):c.508+5G>A

Gene: XK (X-linked Kx blood group antigen, Kell and VPS13A binding protein; plus strand). Cytogenetic location: Xp21.1.
Variant type: single nucleotide variant.
Coding change: c.508+5G>A on transcript NM_021083.4 (MANE Select); 5 bases into the intron after coding-DNA position 508, G replaced by A.
Molecular consequence: intron variant.
Genome position (GRCh38, 1-based): chrX:37,694,553, G>A. VCF-style: chrX-37694553-G-A. GRCh37 (hg19) VCF-style: chrX-37553806-G-A.
Identifiers: ClinVar variation 1300236 (VCV001300236.2), dbSNP rs534318896, ClinGen allele CA328026301.